The following is an entry in ClinVar:

NM_000059.4(BRCA2):c.2534C>T (p.Pro845Leu)

Gene: BRCA2 (BRCA2 DNA repair associated; plus strand). Cytogenetic location: 13q13.1.
Variant type: single nucleotide variant.
Coding change: c.2534C>T on transcript NM_000059.4 (MANE Select); coding-DNA position 2534, C replaced by T.
Protein change: p.Pro845Leu; replaces proline 845 with leucine.
Molecular consequence: missense variant.
Genome position (GRCh38, 1-based): chr13:32,336,889, C>T. VCF-style: chr13-32336889-C-T. GRCh37 (hg19) VCF-style: chr13-32911026-C-T.
Other names: c.2534C>T (NM_000059.3); short protein forms P845L.
Identifiers: ClinVar variation 1414005 (VCV001414005.10), dbSNP rs1288748311, ClinGen allele CA387772492.

ClinVar aggregate classification (germline): Conflicting classifications of pathogenicity. Review status: criteria provided, conflicting classifications (1 of 4 stars). 3 submissions from 3 submitters: Uncertain significance (2); Likely benign (1). Last evaluated 2026-06-01.

Conditions:
Hereditary cancer-predisposing syndrome. Also called: Tumor predisposition; Neoplastic Syndromes, Hereditary; Hereditary Cancer Syndrome; Hereditary neoplastic syndrome. Identifiers: Orphanet 140162, MedGen C0027672, MeSH D009386, MONDO:0015356.
Hereditary breast ovarian cancer syndrome. Also called: Hereditary breast and ovarian cancer; Breast and ovarian cancer; Hereditary breast and/or ovarian cancer syndrome; Hereditary breast and ovarian cancer syndrome; Hereditary breast and ovarian cancer syndrome (HBOC); BRCA1- and BRCA2-Associated Hereditary Breast and Ovarian Cancer. Identifiers: Orphanet 145, MedGen C0677776, MeSH D061325, MONDO:0003582. Disease mechanism: loss of function.

Allele frequency attached by ClinVar (database versions not stated): gnomAD exomes 0.00001 and below 0.00001.
gnomAD v4.1: 2 of 1,609,754 alleles (0.00012%); highest among the groups gnomAD compares: East Asian, 0.0022%; no homozygotes.

Submissions (3):

Ambry Genetics
Classification: Uncertain significance for Hereditary cancer-predisposing syndrome. Last evaluated: 2026-06-01. Review status: criteria provided, single submitter. Criteria: Ambry Variant Classification Scheme 2023. Collection method: clinical testing. Allele origin: germline.
Comment: The p.P845L variant (also known as c.2534C>T), located in coding exon 10 of the BRCA2 gene, results from a C to T substitution at nucleotide position 2534. The proline at codon 845 is replaced by leucine, an amino acid with similar properties. This amino acid position is not well conserved in available vertebrate species. In addition, this alteration is predicted to be tolerated by in silico analysis. Based on the available evidence, the clinical significance of this variant remains unclear.

University of Washington Department of Laboratory Medicine, University of Washington
Classification: Likely benign for Hereditary cancer-predisposing syndrome. Last evaluated: 2023-03-23. Review status: criteria provided, single submitter. Criteria: Dines et al. (Genet Med. 2020). Collection method: curation. Allele origin: germline.
Comment: Missense variant in a coldspot region where missense variants are very unlikely to be pathogenic (PMID:31911673).

BRCA2 exon 11 coldspot. Reclassification based on statistical prior probability.

Labcorp Genetics (formerly Invitae), Labcorp
Classification: Uncertain significance for Hereditary breast ovarian cancer syndrome. Last evaluated: 2022-11-22. Review status: criteria provided, single submitter. Criteria: Invitae Variant Classification Sherloc (09022015). Collection method: clinical testing. Allele origin: germline.
Comment: In summary, the available evidence is currently insufficient to determine the role of this variant in disease. Therefore, it has been classified as a Variant of Uncertain Significance. Advanced modeling of protein sequence and biophysical properties (such as structural, functional, and spatial information, amino acid conservation, physicochemical variation, residue mobility, and thermodynamic stability) performed at Invitae indicates that this missense variant is not expected to disrupt BRCA2 protein function. ClinVar contains an entry for this variant (Variation ID: 1414005). This variant has not been reported in the literature in individuals affected with BRCA2-related conditions. The frequency data for this variant in the population databases is considered unreliable, as metrics indicate poor data quality at this position in the gnomAD database. This sequence change replaces proline, which is neutral and non-polar, with leucine, which is neutral and non-polar, at codon 845 of the BRCA2 protein (p.Pro845Leu).